The following is an entry in ClinVar:

ClinVar aggregate classification (germline): Uncertain significance. Review status: criteria provided, multiple submitters, no conflicts (2 of 4 stars). 2 submissions from 2 submitters: Uncertain significance (2). Last evaluated 2025-03-03.

Conditions:
Inborn genetic diseases. Identifiers: MedGen C0950123, MeSH D030342.
Immunodeficiency 23 (IMD23). Also called: IMMUNODEFICIENCY WITH HYPER IgE AND COGNITIVE IMPAIRMENT; IMMUNODEFICIENCY-VASCULITIS-MYOCLONUS SYNDROME. Identifiers: Orphanet 443811, MedGen C4014371, MONDO:0014353, OMIM 615816.

Allele frequency attached by ClinVar (database versions not stated): gnomAD exomes 0.00006; TOPMed 0.00003; gnomAD 0.00002; ExAC 0.00008.
gnomAD v4.1: 24 of 1,613,982 alleles (0.0015%); highest among the groups gnomAD compares: East Asian, 0.031%; no homozygotes.

Submissions (2):

Ambry Genetics
Classification: Uncertain significance for Inborn genetic diseases. Last evaluated: 2025-03-03. Review status: criteria provided, single submitter. Criteria: Ambry Variant Classification Scheme 2023. Collection method: clinical testing. Allele origin: germline.

Labcorp Genetics (formerly Invitae), Labcorp
Classification: Uncertain significance for Immunodeficiency 23. Last evaluated: 2022-08-23. Review status: criteria provided, single submitter. Criteria: Invitae Variant Classification Sherloc (09022015). Collection method: clinical testing. Allele origin: germline.
Comment: This sequence change replaces isoleucine, which is neutral and non-polar, with threonine, which is neutral and polar, at codon 562 of the PGM3 protein (p.Ile562Thr). This variant is present in population databases (rs746702734, gnomAD 0.07%). This variant has not been reported in the literature in individuals affected with PGM3-related conditions. ClinVar contains an entry for this variant (Variation ID: 1424663). Algorithms developed to predict the effect of missense changes on protein structure and function output the following: SIFT: "Tolerated"; PolyPhen-2: "Benign"; Align-GVGD: "Class C0". The threonine amino acid residue is found in multiple mammalian species, which suggests that this missense change does not adversely affect protein function. In summary, the available evidence is currently insufficient to determine the role of this variant in disease. Therefore, it has been classified as a Variant of Uncertain Significance.

NM_015599.3(PGM3):c.1601T>C (p.Ile534Thr)

Genes: DOP1A (DOP1 leucine zipper like protein A; plus strand), PGM3 (phosphoglucomutase 3; minus strand). Cytogenetic location: 6q14.1.
Variant type: single nucleotide variant.
Coding change: c.1601T>C on transcript NM_015599.3 (MANE Select); coding-DNA position 1601, T replaced by C.
Protein change: p.Ile534Thr; replaces isoleucine 534 with threonine.
Molecular consequence: missense variant. On other transcripts: 3 prime UTR variant (1), non-coding transcript variant (1).
Genome position (GRCh38, 1-based): chr6:83,169,262, A>G on the plus strand (T>C on the coding strand, the complement: PGM3 is on the minus strand). VCF-style: chr6-83169262-A-G. GRCh37 (hg19) VCF-style: chr6-83878981-A-G.
Other names: c.1685T>C, p.Ile562Thr (NM_001199917.2, NM_001367287.1); c.*36T>C (NM_001199918.2); c.1601T>C, p.Ile534Thr (NM_001199919.2); c.1478T>C, p.Ile493Thr (NM_001367286.1); c.1685T>C (NM_001199917.1); short protein forms I562T, I493T, I534T.
Identifiers: ClinVar variation 1424663 (VCV001424663.6), dbSNP rs746702734, ClinGen allele CA3906468.